The following is an entry in ClinVar:

NM_002691.4(POLD1):c.2471T>C (p.Met824Thr)

Gene: POLD1 (DNA polymerase delta 1, catalytic subunit; plus strand). Cytogenetic location: 19q13.33.
Variant type: single nucleotide variant.
Coding change: c.2471T>C on transcript NM_002691.4 (MANE Select); coding-DNA position 2471, T replaced by C.
Protein change: p.Met824Thr; replaces methionine 824 with threonine.
Molecular consequence: missense variant. On other transcripts: non-coding transcript variant (1).
Genome position (GRCh38, 1-based): chr19:50,414,897, T>C. VCF-style: chr19-50414897-T-C. GRCh37 (hg19) VCF-style: chr19-50918154-T-C.
Other names: c.2471T>C, p.Met824Thr (NM_001256849.1, NM_001438212.1, NM_001438213.1); c.2549T>C, p.Met850Thr (NM_001308632.1); c.2399T>C, p.Met800Thr (NM_001438210.1, NM_001438211.1); short protein forms M800T, M824T, M850T.
Identifiers: ClinVar variation 4862151 (VCV004862151.1).

ClinVar aggregate classification (germline): Uncertain significance (1 of 4 stars; one submission).

Conditions:
Hereditary cancer-predisposing syndrome. Also called: Neoplastic Syndromes, Hereditary; Tumor predisposition; Hereditary Cancer Syndrome; Hereditary neoplastic syndrome. Identifiers: Orphanet 140162, MedGen C0027672, MeSH D009386, MONDO:0015356.

Submission:

Ambry Genetics
Classification: Uncertain significance for Hereditary cancer-predisposing syndrome. Last evaluated: 2026-03-30. Review status: criteria provided, single submitter. Criteria: Ambry Variant Classification Scheme 2023. Collection method: clinical testing. Allele origin: germline.
Comment: The p.M824T variant (also known as c.2471T>C), located in coding exon 19 of the POLD1 gene, results from a T to C substitution at nucleotide position 2471. The methionine at codon 824 is replaced by threonine, an amino acid with similar properties. This amino acid position is highly conserved in available vertebrate species. In addition, the in silico prediction for this alteration is inconclusive. Based on the available evidence, the clinical significance of this variant remains unclear.